The following is an entry in ClinVar:

ClinVar aggregate classification (germline): Conflicting classifications of pathogenicity. Review status: criteria provided, conflicting classifications (1 of 4 stars). 5 submissions from 5 submitters: Uncertain significance (1); Likely benign (3). 1 of the submissions does not count toward it. Last evaluated 2024-10-04.

Conditions:
Epidermolysis bullosa simplex 5B, with muscular dystrophy (EBS5B). Also called: EPIDERMOLYSIS BULLOSA SIMPLEX AND LIMB-GIRDLE MUSCULAR DYSTROPHY; Epidermolysis bullosa simplex with muscular dystrophy. Identifiers: Orphanet 257, MedGen C2931072, MONDO:0009181, OMIM 226670.
Autosomal recessive limb-girdle muscular dystrophy type 2Q (LGMDR17). Also called: MUSCULAR DYSTROPHY, LIMB-GIRDLE, AUTOSOMAL RECESSIVE 17. Identifiers: Orphanet 254361, MedGen C3150989, MONDO:0013390, OMIM 613723.
Epidermolysis bullosa simplex, Ogna type (EBS5A). Also called: Pidermolysis bullosa simplex 5A, Ogna type; EPIDERMOLYSIS BULLOSA SIMPLEX 5A, OGNA TYPE. Identifiers: Orphanet 79401, MedGen C0432317, MONDO:0007555, OMIM 131950.
Epidermolysis bullosa simplex with nail dystrophy (EBS5D). Identifiers: MedGen C4225309, MONDO:0014661, OMIM 616487.
Epidermolysis bullosa simplex 5C, with pyloric atresia (EBS5C). Also called: PLEC-Related Epidermolysis Bullosa with Pyloric Atresia; Epidermolysis bullosa simplex with pyloric atresia; PLEC1-Related Epidermolysis Bullosa with Pyloric Atresia. Identifiers: Orphanet 158684, MedGen C2677349, MONDO:0012807, OMIM 612138.
PLEC-related disorder. Also called: PLEC-related condition; PLEC-related disorders.

Allele frequency attached by ClinVar (database versions not stated): gnomAD 0.00002 and 0.00003; gnomAD exomes 0.00002 and 0.00004; TOPMed 0.00003; ExAC 0.00004.
gnomAD v4.1: 28 of 1,612,334 alleles (0.0017%); highest among the groups gnomAD compares: East Asian, 0.0045%; no homozygotes.

Submissions (5):

Blueprint Genetics
Classification: Likely benign. Last evaluated: 2024-10-04. Review status: criteria provided, single submitter. Criteria: ACMG Guidelines, 2015. Collection method: clinical testing. Allele origin: germline.

Labcorp Genetics (formerly Invitae), Labcorp
Classification: Likely benign for Autosomal recessive limb-girdle muscular dystrophy type 2Q; Epidermolysis bullosa simplex, Ogna type; Epidermolysis bullosa simplex with nail dystrophy; Epidermolysis bullosa simplex 5C, with pyloric atresia; Epidermolysis bullosa simplex 5B, with muscular dystrophy. Last evaluated: 2022-08-16. Review status: criteria provided, single submitter. Criteria: Invitae Variant Classification Sherloc (09022015). Collection method: clinical testing. Allele origin: germline.

GeneDx
Classification: Likely benign. Last evaluated: 2017-12-27. Review status: criteria provided, single submitter. Criteria: GeneDx Variant Classification (06012015). Collection method: clinical testing. Allele origin: germline. Affected: yes.
Comment: This variant is considered likely benign or benign based on one or more of the following criteria: it is a conservative change, it occurs at a poorly conserved position in the protein, it is predicted to be benign by multiple in silico algorithms, and/or has population frequency not consistent with disease.

Eurofins Ntd Llc (ga)
Classification: Uncertain significance. Last evaluated: 2017-11-07. Review status: criteria provided, single submitter. Criteria: EGL Classification Definitions 2015. Collection method: clinical testing. Allele origin: germline. Observed: 2 variant alleles, 2 heterozygotes.

PreventionGenetics, part of Exact Sciences
Classification: Likely benign for PLEC-related condition. Last evaluated: 2023-09-01. Review status: no assertion criteria provided. Collection method: clinical testing. Allele origin: germline. Not counted in ClinVar's aggregate classification.
Comment: This variant is classified as likely benign based on ACMG/AMP sequence variant interpretation guidelines (Richards et al. 2015 PMID: 25741868, with internal and published modifications).

NM_201384.3(PLEC):c.678G>A (p.Ala226=)

Gene: PLEC (plectin; minus strand). Cytogenetic location: 8q24.3.
Variant type: single nucleotide variant.
Coding change: c.678G>A on transcript NM_201384.3 (MANE Select); coding-DNA position 678, G replaced by A.
Protein change: p.Ala226=; no amino-acid change (alanine 226 retained).
Molecular consequence: synonymous variant.
Genome position (GRCh38, 1-based): chr8:143,935,238, C>T on the plus strand (G>A on the coding strand, the complement: PLEC is on the minus strand). VCF-style: chr8-143935238-C-T. GRCh37 (hg19) VCF-style: chr8-145009406-C-T.
Other names: c.759G>A (NM_000445.4); c.759G>A, p.Ala253= (NM_000445.5); c.636G>A, p.Ala212= (NM_201378.4); c.612G>A, p.Ala204= (NM_201379.3); c.1089G>A, p.Ala363= (NM_201380.4); c.582G>A, p.Ala194= (NM_201381.3); c.678G>A, p.Ala226= (NM_201382.4); c.690G>A, p.Ala230= (NM_201383.3).
Identifiers: ClinVar variation 501442 (VCV000501442.13), dbSNP rs782369854, ClinGen allele CA4928353.